The following is an entry in ClinVar:

ClinVar aggregate classification (germline): Uncertain significance (1 of 4 stars; one submission).

Conditions:
Tuberous sclerosis 2 (TSC2). Identifiers: Orphanet 805, MedGen C1860707, MONDO:0013199, OMIM 613254.

Submission:

Labcorp Genetics (formerly Invitae), Labcorp
Classification: Uncertain significance for Tuberous sclerosis 2. Last evaluated: 2024-09-09. Review status: criteria provided, single submitter. Criteria: Invitae Variant Classification Sherloc (09022015). Collection method: clinical testing. Allele origin: germline.
Comment: This sequence change replaces glycine, which is neutral and non-polar, with aspartic acid, which is acidic and polar, at codon 956 of the TSC2 protein (p.Gly956Asp). This variant is not present in population databases (gnomAD no frequency). This variant has not been reported in the literature in individuals affected with TSC2-related conditions. ClinVar contains an entry for this variant (Variation ID: 1061716). Invitae Evidence Modeling of protein sequence and biophysical properties (such as structural, functional, and spatial information, amino acid conservation, physicochemical variation, residue mobility, and thermodynamic stability) indicates that this missense variant is not expected to disrupt TSC2 protein function with a negative predictive value of 95%. In summary, the available evidence is currently insufficient to determine the role of this variant in disease. Therefore, it has been classified as a Variant of Uncertain Significance.

NM_000548.5(TSC2):c.2867G>A (p.Gly956Asp)

Gene: TSC2 (TSC complex subunit 2; plus strand). Cytogenetic location: 16p13.3.
Variant type: single nucleotide variant.
Coding change: c.2867G>A on transcript NM_000548.5 (MANE Select); coding-DNA position 2867, G replaced by A.
Protein change: p.Gly956Asp; replaces glycine 956 with aspartic acid.
Molecular consequence: missense variant. On other transcripts: intron variant (9).
Genome position (GRCh38, 1-based): chr16:2,077,627, G>A. VCF-style: chr16-2077627-G-A. GRCh37 (hg19) VCF-style: chr16-2127628-G-A.
Other names: c.2867G>A, p.Gly956Asp (NM_001114382.3); c.2837+1042G>A (NM_021055.3, NM_001370405.1, NM_001363528.2 and 2 more transcripts); c.2726+1042G>A (NM_001318827.2); c.2237+1042G>A (NM_001318831.2); c.2690+1042G>A (NM_001318829.2); c.2870+1042G>A (NM_001318832.2); short protein forms G956D.
Identifiers: ClinVar variation 1061716 (VCV001061716.7), dbSNP rs2151413781, ClinGen allele CA394280926.